The following is an entry in ClinVar:

ClinVar aggregate classification (germline): Uncertain significance. Review status: criteria provided, multiple submitters, no conflicts (2 of 4 stars). 2 submissions from 2 submitters: Uncertain significance (2). Last evaluated 2022-07-05.

Conditions:
Mosaic variegated aneuploidy syndrome 1 (MVA1). Also called: Warburton-Anyane-Yeboa syndrome. Identifiers: Orphanet 1052, MedGen C1850343, MONDO:0009759, OMIM 257300.
Inborn genetic diseases. Identifiers: MedGen C0950123, MeSH D030342.

Allele frequency attached by ClinVar (database versions not stated): gnomAD exomes below 0.00001; TOPMed below 0.00001.
gnomAD v4.1: 1 of 1,611,090 alleles (0.000062%); highest among the groups gnomAD compares: South Asian, 0.0011%; no homozygotes.

Submissions (2):

Ambry Genetics
Classification: Uncertain significance for Inborn genetic diseases. Last evaluated: 2022-07-05. Review status: criteria provided, single submitter. Criteria: Ambry Variant Classification Scheme 2023. Collection method: clinical testing. Allele origin: germline.
Comment: The p.T464I variant (also known as c.1391C>T), located in coding exon 10 of the BUB1B gene, results from a C to T substitution at nucleotide position 1391. The threonine at codon 464 is replaced by isoleucine, an amino acid with similar properties. This amino acid position is conserved. In addition, this alteration is predicted to be tolerated by in silico analysis. Since supporting evidence is limited at this time, the clinical significance of this alteration remains unclear.

Labcorp Genetics (formerly Invitae), Labcorp
Classification: Uncertain significance for Mosaic variegated aneuploidy syndrome 1. Last evaluated: 2020-05-20. Review status: criteria provided, single submitter. Criteria: Invitae Variant Classification Sherloc (09022015). Collection method: clinical testing. Allele origin: germline.
Comment: This sequence change replaces threonine with isoleucine at codon 464 of the BUB1B protein (p.Thr464Ile). The threonine residue is weakly conserved and there is a moderate physicochemical difference between threonine and isoleucine. This variant is not present in population databases (ExAC no frequency). This variant has not been reported in the literature in individuals with BUB1B-related conditions. Algorithms developed to predict the effect of missense changes on protein structure and function (SIFT, PolyPhen-2, Align-GVGD) all suggest that this variant is likely to be tolerated, but these predictions have not been confirmed by published functional studies and their clinical significance is uncertain. In summary, the available evidence is currently insufficient to determine the role of this variant in disease. Therefore, it has been classified as a Variant of Uncertain Significance.

NM_001211.6(BUB1B):c.1391C>T (p.Thr464Ile)

Gene: BUB1B (BUB1 mitotic checkpoint serine/threonine kinase B; plus strand). Cytogenetic location: 15q15.1.
Variant type: single nucleotide variant.
Coding change: c.1391C>T on transcript NM_001211.6 (MANE Select); coding-DNA position 1391, C replaced by T.
Protein change: p.Thr464Ile; replaces threonine 464 with isoleucine.
Molecular consequence: missense variant.
Genome position (GRCh38, 1-based): chr15:40,199,717, C>T. VCF-style: chr15-40199717-C-T. GRCh37 (hg19) VCF-style: chr15-40491918-C-T.
Other names: short protein forms T464I.
Identifiers: ClinVar variation 1038745 (VCV001038745.12), dbSNP rs1431082197, ClinGen allele CA391689252.